The following is an entry in ClinVar:

ClinVar aggregate classification (germline): Likely pathogenic (1 of 4 stars; one submission).

Conditions:
Fetal anomalies with a likely genetic cause.

Submission:

Genetics Laboratory, Great Ormond Street Hospital NHS Foundation Trust, North Thames Genomic Laboratory Hub
Classification: Likely pathogenic for Fetal anomalies with a likely genetic cause. Last evaluated: 2026-06-18. Review status: criteria provided, single submitter. Criteria: ACGS Best Practice Guidelines for Variant Classification in Rare Disease 2024 v1.2. Collection method: clinical testing. Allele origin: germline. Affected: yes.
Comment: PM2_moderate, PP3_supporting, PP2_supporting, PS2_moderate

NM_001100.4(ACTA1):c.289C>T (p.Arg97Cys)

Gene: ACTA1 (actin alpha 1, skeletal muscle; minus strand). Cytogenetic location: 1q42.13.
Variant type: single nucleotide variant.
Coding change: c.289C>T on transcript NM_001100.4 (MANE Select); coding-DNA position 289, C replaced by T.
Protein change: p.Arg97Cys; replaces arginine 97 with cysteine.
Molecular consequence: missense variant.
Genome position (GRCh38, 1-based): chr1:229,432,721, G>A on the plus strand (C>T on the coding strand, the complement: ACTA1 is on the minus strand). VCF-style: chr1-229432721-G-A. GRCh37 (hg19) VCF-style: chr1-229568468-G-A.
Other names: short protein forms R97C.
Identifiers: ClinVar variation 4884726 (VCV004884726.1).